The following is an entry in ClinVar:

NM_000038.6(APC):c.7668A>G (p.Ser2556=)

Gene: APC (APC regulator of Wnt signaling pathway; plus strand). Cytogenetic location: 5q22.2.
Variant type: single nucleotide variant.
Coding change: c.7668A>G on transcript NM_000038.6 (MANE Select); coding-DNA position 7668, A replaced by G.
Protein change: p.Ser2556=; no amino-acid change (serine 2556 retained).
Molecular consequence: synonymous variant.
Genome position (GRCh38, 1-based): chr5:112,843,262, A>G. VCF-style: chr5-112843262-A-G. GRCh37 (hg19) VCF-style: chr5-112178959-A-G.
Other names: c.7668A>G, p.Ser2556= (NM_001127510.3, NM_001354895.2); c.7614A>G, p.Ser2538= (NM_001127511.3); c.7722A>G, p.Ser2574= (NM_001354896.2); c.7698A>G, p.Ser2566= (NM_001354897.2); c.7593A>G, p.Ser2531= (NM_001354898.2); c.7584A>G, p.Ser2528= (NM_001354899.2); c.7545A>G, p.Ser2515= (NM_001354900.2); c.7491A>G, p.Ser2497= (NM_001354901.2); and 5 more.
Identifiers: ClinVar variation 827182 (VCV000827182.17), dbSNP rs1170896529, ClinGen allele CA446211119.

ClinVar aggregate classification (germline): Benign/Likely benign. Review status: criteria provided, multiple submitters, no conflicts (2 of 4 stars). 4 submissions from 4 submitters: Benign (1); Likely benign (3). Last evaluated 2025-12-08.

Conditions:
Hereditary cancer-predisposing syndrome. Also called: Neoplastic Syndromes, Hereditary; Tumor predisposition; Hereditary neoplastic syndrome; Hereditary Cancer Syndrome. Identifiers: Orphanet 140162, MedGen C0027672, MeSH D009386, MONDO:0015356.
Familial adenomatous polyposis 1 (FAP1). Also called: POLYPOSIS, ADENOMATOUS INTESTINAL; FAMILIAL ADENOMATOUS POLYPOSIS 1, ATTENUATED. Identifiers: MedGen C2713442, MONDO:0021056, OMIM 175100. Disease mechanism: loss of function.

Allele frequency attached by ClinVar (database versions not stated): TOPMed below 0.00001; gnomAD 0.00001.
gnomAD v4.1: 1 of 1,613,636 alleles (0.000062%); highest among the groups gnomAD compares: African/African-American, 0.0013%; no homozygotes.

Submissions (4):

Labcorp Genetics (formerly Invitae), Labcorp
Classification: Likely benign for Familial adenomatous polyposis 1. Last evaluated: 2025-12-08. Review status: criteria provided, single submitter. Criteria: Invitae Variant Classification Sherloc (09022015). Collection method: clinical testing. Allele origin: germline.

Myriad Genetics, Inc.
Classification: Benign for Familial adenomatous polyposis 1. Last evaluated: 2024-04-10. Review status: criteria provided, single submitter. Criteria: Myriad Autosomal Dominant, Autosomal Recessive and X-Linked Classification Criteria (2023). Collection method: clinical testing. Allele origin: unknown.
Comment: This variant is considered benign. This variant is a silent/synonymous amino acid change and it is not expected to impact splicing.

Color Diagnostics, LLC DBA Color Health
Classification: Likely benign for Hereditary cancer-predisposing syndrome. Last evaluated: 2019-06-25. Review status: criteria provided, single submitter. Criteria: ACMG Guidelines, 2015. Collection method: clinical testing. Allele origin: germline.

Ambry Genetics
Classification: Likely benign for Hereditary cancer-predisposing syndrome. Last evaluated: 2018-04-23. Review status: criteria provided, single submitter. Criteria: Ambry Variant Classification Scheme 2023. Collection method: clinical testing. Allele origin: germline.